The following is an entry in ClinVar:

NM_022173.4(TIA1):c.765-8T>C

Gene: TIA1 (TIA1 cytotoxic granule associated RNA binding protein; minus strand). Cytogenetic location: 2p13.3.
Variant type: single nucleotide variant.
Coding change: c.765-8T>C on transcript NM_022173.4 (MANE Select); 8 bases into the intron before coding-DNA position 765, T replaced by C.
Molecular consequence: intron variant.
Genome position (GRCh38, 1-based): chr2:70,215,502, A>G on the plus strand (T>C on the coding strand, the complement: TIA1 is on the minus strand). VCF-style: chr2-70215502-A-G. GRCh37 (hg19) VCF-style: chr2-70442634-A-G.
Other names: c.621-8T>C (NM_001351513.1); c.654-8T>C (NM_001351511.1); c.627-8T>C (NM_001351512.1); c.537-8T>C (NM_001351514.2); c.345-8T>C (NM_001351524.2, NM_001351517.2, NM_001351525.2); c.732-8T>C (NM_001351510.2, NM_022037.4); c.462-8T>C (NM_001351515.2); c.765-8T>C (NM_001351508.2); and 1 more.
Identifiers: ClinVar variation 3385216 (VCV003385216.1).

ClinVar aggregate classification (germline): Uncertain significance (1 of 4 stars; one submission).

Submission:

Women's Health and Genetics/Laboratory Corporation of America, LabCorp
Classification: Uncertain significance. Last evaluated: 2024-10-17. Review status: criteria provided, single submitter. Criteria: LabCorp Variant Classification Summary - May 2015. Collection method: clinical testing. Allele origin: germline.
Comment: Variant summary: TIA1 c.765-8T>C alters a conserved nucleotide located close to a canonical splice site and therefore could affect mRNA splicing, leading to a significantly altered protein sequence. Consensus agreement among computation tools predict no significant impact on normal splicing. However, these predictions have yet to be confirmed by functional studies. The variant was absent in 243464 control chromosomes. The available data on variant occurrences in the general population are insufficient to allow any conclusion about variant significance. To our knowledge, no occurrence of c.765-8T>C in individuals affected with TIA1-Related Disorders and no experimental evidence demonstrating its impact on protein function have been reported. No submitters have cited clinical-significance assessments for this variant to ClinVar. Based on the evidence outlined above, the variant was classified as uncertain significance.